The following is an entry in ClinVar:

NM_004606.5(TAF1):c.626C>A (p.Thr209Asn)

Gene: TAF1 (TATA-box binding protein associated factor 1; plus strand). Cytogenetic location: Xq13.1.
Variant type: single nucleotide variant.
Coding change: c.626C>A on transcript NM_004606.5 (MANE Select); coding-DNA position 626, C replaced by A.
Protein change: p.Thr209Asn; replaces threonine 209 with asparagine.
Molecular consequence: missense variant. On other transcripts: non-coding transcript variant (9).
Genome position (GRCh38, 1-based): chrX:71,377,103, C>A. VCF-style: chrX-71377103-C-A. GRCh37 (hg19) VCF-style: chrX-70596953-C-A.
Other names: c.626C>A, p.Thr209Asn (NM_001286074.2); c.563C>A, p.Thr188Asn (NM_138923.4); short protein forms T188N, T209N.
Identifiers: ClinVar variation 2660874 (VCV002660874.24), dbSNP rs2520124703, ClinGen allele CA413506359.

ClinVar aggregate classification (germline): Uncertain significance (1 of 4 stars; one submission).

Submission:

CeGaT Center for Human Genetics Tuebingen
Classification: Uncertain significance. Last evaluated: 2023-05-01. Review status: criteria provided, single submitter. Criteria: CeGaT Center For Human Genetics Tuebingen Variant Classification Criteria Version 2. Collection method: clinical testing. Allele origin: germline. Affected: yes. Observed: 1 variant allele.
Comment: TAF1: PM2